The following is an entry in ClinVar:

NM_005633.4(SOS1):c.2074G>A (p.Val692Ile)

Gene: SOS1 (SOS Ras/Rac guanine nucleotide exchange factor 1; minus strand). Cytogenetic location: 2p22.1.
Variant type: single nucleotide variant.
Coding change: c.2074G>A on transcript NM_005633.4 (MANE Select); coding-DNA position 2074, G replaced by A.
Protein change: p.Val692Ile; replaces valine 692 with isoleucine.
Molecular consequence: missense variant.
Genome position (GRCh38, 1-based): chr2:39,013,553, C>T on the plus strand (G>A on the coding strand, the complement: SOS1 is on the minus strand). VCF-style: chr2-39013553-C-T. GRCh37 (hg19) VCF-style: chr2-39240694-C-T.
Other names: c.2053G>A, p.Val685Ile (NM_001382394.1); c.2074G>A, p.Val692Ile (NM_001382395.1); short protein forms V685I, V692I.
Identifiers: ClinVar variation 2453700 (VCV002453700.2), dbSNP rs2528998057, ClinGen allele CA346364714.

ClinVar aggregate classification (germline): Uncertain significance (1 of 4 stars; one submission).

Conditions:
Cardiovascular phenotype. Identifiers: MedGen CN230736.

Submission:

Ambry Genetics
Classification: Uncertain significance for Cardiovascular phenotype. Last evaluated: 2023-01-14. Review status: criteria provided, single submitter. Criteria: Ambry Variant Classification Scheme 2023. Collection method: clinical testing. Allele origin: germline.
Comment: The p.V692I variant (also known as c.2074G>A), located in coding exon 13 of the SOS1 gene, results from a G to A substitution at nucleotide position 2074. The valine at codon 692 is replaced by isoleucine, an amino acid with highly similar properties. This amino acid position is conserved. In addition, this alteration is predicted to be tolerated by in silico analysis. Since supporting evidence is limited at this time, the clinical significance of this alteration remains unclear.